The following is an entry in ClinVar:

ClinVar aggregate classification (germline): Conflicting classifications of pathogenicity. Review status: criteria provided, conflicting classifications (1 of 4 stars). 4 submissions from 4 submitters: Pathogenic (2); Likely pathogenic (1); Uncertain significance (1). Last evaluated 2026-01-12.

Conditions:
Joubert syndrome 9 (JBTS9). Identifiers: Orphanet 2318, MedGen C2676788, MONDO:0012849, OMIM 612285.
CC2D2A-related disorder. Also called: CC2D2A-related disorders; CC2D2A-related condition. Identifiers: MedGen CN239313.
Joubert syndrome. Also called: Familial aplasia of the vermis; JOUBERT-BOLTSHAUSER SYNDROME. Identifiers: Orphanet 475, MedGen C5979921, MONDO:0018772.
Meckel-Gruber syndrome. Also called: Dysencephalia splachnocystica; DYSENCEPHALIA SPLANCHNOCYSTICA; GRUBER SYNDROME. Identifiers: Orphanet 564, MedGen C0265215, MONDO:0018921.

Allele frequency attached by ClinVar (database versions not stated): gnomAD 0.00001; gnomAD exomes 0.00001 and 0.00002; TOPMed 0.00001.
gnomAD v4.1: 27 of 1,582,322 alleles (0.0017%); highest among the groups gnomAD compares: Non-Finnish European, 0.0022%; no homozygotes.

Submissions (4):

PreventionGenetics, part of Exact Sciences
Classification: Likely pathogenic for CC2D2A-related condition. Last evaluated: 2026-01-12. Review status: criteria provided, single submitter. Criteria: ACMG Guidelines, 2015. Collection method: clinical testing. Allele origin: germline.
Comment: The CC2D2A c.3452T>C variant is predicted to result in the amino acid substitution p.Val1151Ala. This variant has been reported, along with another pathogenic CC2D2A variant, in two affected siblings with Joubert syndrome (Bachmann-Gagescu et al. 2012. PubMed ID: 22241855). This variant is reported in 0.0023% of alleles in individuals of European (Non-Finnish) descent in gnomAD. This variant is interpreted as likely pathogenic.

Labcorp Genetics (formerly Invitae), Labcorp
Classification: Pathogenic for Joubert syndrome; Meckel-Gruber syndrome. Last evaluated: 2025-07-29. Review status: criteria provided, single submitter. Criteria: Invitae Variant Classification Sherloc (09022015). Collection method: clinical testing. Allele origin: germline.
Comment: This sequence change replaces valine, which is neutral and non-polar, with alanine, which is neutral and non-polar, at codon 1151 of the CC2D2A protein (p.Val1151Ala). The frequency data for this variant in the population databases is considered unreliable, as metrics indicate poor data quality at this position in the gnomAD database. This missense change has been observed in individual(s) with clinical features of Joubert syndrome (PMID: 22241855, 28497568; internal data). In at least one individual the data is consistent with being in trans (on the opposite chromosome) from a pathogenic variant. It has also been observed to segregate with disease in related individuals. ClinVar contains an entry for this variant (Variation ID: 217598). Invitae Evidence Modeling of protein sequence and biophysical properties (such as structural, functional, and spatial information, amino acid conservation, physicochemical variation, residue mobility, and thermodynamic stability) indicates that this missense variant is expected to disrupt CC2D2A protein function with a positive predictive value of 80%. For these reasons, this variant has been classified as Pathogenic.

Women's Health and Genetics/Laboratory Corporation of America, LabCorp
Classification: Uncertain significance. Last evaluated: 2023-08-11. Review status: criteria provided, single submitter. Criteria: LabCorp Variant Classification Summary - May 2015. Collection method: clinical testing. Allele origin: germline.
Comment: Variant summary: CC2D2A c.3452T>C (p.Val1151Ala) results in a non-conservative amino acid change in the encoded protein sequence. Five of five in-silico tools predict a damaging effect of the variant on protein function. The variant allele was found at a frequency of 9.8e-06 in 203332 control chromosomes (gnomAD). c.3452T>C has been reported in the literature in the compound heterozygous state in trans with a pathogenic variant in two siblings affected with Joubert Syndrome (Bachman-Gagescu_2012) and in at least one other compound heterozygous individual with Joubert Syndrome who has subsequently been cited in other publications (e.g. Vilboux_2017, Summers_2017, Fleming_2017, Brooks_2018). These data indicate that the variant may be associated with disease. To our knowledge, no experimental evidence demonstrating an impact on protein function has been reported. The following publications have been ascertained in the context of this evaluation (PMID: 22241855, 26092869, 30055837, 29146704, 28497568, 28125082). No clinical diagnostic laboratories have cited clinical-significance assessments for this variant to ClinVar after 2014. Based on the evidence outlined above, the variant was classified as VUS-possibly pathogenic.

UW Hindbrain Malformation Research Program, University of Washington
Classification: Pathogenic for Joubert syndrome 9. Last evaluated: 2015-02-23. Review status: criteria provided, single submitter. Criteria: Bachmann-Gagescu et al. (J Med Genet. 2015). Collection method: research. Allele origin: unknown. Affected: yes.

Literature cited by the submitters: PubMed 22241855 (cited by Labcorp Genetics (formerly Invitae), Labcorp and Women's Health and Genetics/Laboratory Corporation of America, LabCorp); PubMed 28497568 (cited by Labcorp Genetics (formerly Invitae), Labcorp and Women's Health and Genetics/Laboratory Corporation of America, LabCorp); PubMed 26092869 (cited by Women's Health and Genetics/Laboratory Corporation of America, LabCorp); PubMed 30055837 (cited by Women's Health and Genetics/Laboratory Corporation of America, LabCorp); PubMed 29146704 (cited by Women's Health and Genetics/Laboratory Corporation of America, LabCorp); PubMed 28125082 (cited by Women's Health and Genetics/Laboratory Corporation of America, LabCorp).

NM_001378615.1(CC2D2A):c.3452T>C (p.Val1151Ala)

Genes: FBXL5 (F-box and leucine rich repeat protein 5; minus strand), CC2D2A (coiled-coil and C2 domain containing 2A; plus strand). Cytogenetic location: 4p15.32.
Variant type: single nucleotide variant.
Coding change: c.3452T>C on transcript NM_001378615.1 (MANE Select); coding-DNA position 3452, T replaced by C.
Protein change: p.Val1151Ala; replaces valine 1151 with alanine.
Molecular consequence: missense variant.
Genome position (GRCh38, 1-based): chr4:15,569,346, T>C. VCF-style: chr4-15569346-T-C. GRCh37 (hg19) VCF-style: chr4-15570969-T-C.
Other names: c.3452T>C, p.Val1151Ala (NM_001080522.2); c.3305T>C, p.Val1102Ala (NM_001378617.1); short protein forms V1151A, V1102A.
Identifiers: ClinVar variation 217598 (VCV000217598.4), dbSNP rs863225170, ClinGen allele CA279438.
Genomic context (GRCh38, chr4:15,569,346, plus strand): 5'-CTTGCAGGGCTCCTAATGGAGATTATAGCACAGCCAGTCTGCAGTCAGTGAAAGATGTTG[T>C]GTTCATTAACATTTTTGATGAAGTACTGCATGATGTCTTAGAGGTAAGTTCTCAGTTTTA-3'
Protein context (NP_001365544.1, residues 1141-1161): TASLQSVKDV[Val1151Ala]FINIFDEVLH